The following is an entry in ClinVar:

ClinVar aggregate classification (germline): Uncertain significance (1 of 4 stars; one submission).

Conditions:
Rubinstein-Taybi syndrome (RSTS). Identifiers: Orphanet 783, MedGen C0035934, MONDO:0019188.

Submission:

Labcorp Genetics (formerly Invitae), Labcorp
Classification: Uncertain significance for Rubinstein-Taybi syndrome. Last evaluated: 2022-03-20. Review status: criteria provided, single submitter. Criteria: Invitae Variant Classification Sherloc (09022015). Collection method: clinical testing. Allele origin: germline.
Comment: This variant is not present in population databases (gnomAD no frequency). This sequence change replaces proline, which is neutral and non-polar, with threonine, which is neutral and polar, at codon 512 of the CREBBP protein (p.Pro512Thr). This variant has not been reported in the literature in individuals affected with CREBBP-related conditions. Advanced modeling of protein sequence and biophysical properties (such as structural, functional, and spatial information, amino acid conservation, physicochemical variation, residue mobility, and thermodynamic stability) performed at Invitae indicates that this missense variant is not expected to disrupt CREBBP protein function. In summary, the available evidence is currently insufficient to determine the role of this variant in disease. Therefore, it has been classified as a Variant of Uncertain Significance.

NM_004380.3(CREBBP):c.1534C>A (p.Pro512Thr)

Gene: CREBBP (CREB binding lysine acetyltransferase; minus strand). Cytogenetic location: 16p13.3.
Variant type: single nucleotide variant.
Coding change: c.1534C>A on transcript NM_004380.3 (MANE Select); coding-DNA position 1534, C replaced by A.
Protein change: p.Pro512Thr; replaces proline 512 with threonine.
Molecular consequence: missense variant.
Genome position (GRCh38, 1-based): chr16:3,782,723, G>T on the plus strand (C>A on the coding strand, the complement: CREBBP is on the minus strand). VCF-style: chr16-3782723-G-T. GRCh37 (hg19) VCF-style: chr16-3832724-G-T.
Other names: c.1420C>A, p.Pro474Thr (NM_001079846.1); short protein forms P512T, P474T.
Identifiers: ClinVar variation 2114829 (VCV002114829.4), dbSNP rs2548443538, ClinGen allele CA394557291.